The following is an entry in ClinVar:

ClinVar aggregate classification (germline): Uncertain significance (1 of 4 stars; one submission).

Submission:

GeneDx
Classification: Uncertain significance. Last evaluated: 2012-02-23. Review status: criteria provided, single submitter. Criteria: GeneDx Variant Classification (06012015). Collection method: clinical testing. Allele origin: germline. Affected: yes.
Comment: The Val188Leu variant in the TNNI3 gene has not been reported previously as a disease-causing mutation or as a benign polymorphism, to our knowledge. Although Val188Leu results in a conservative amino acid substitution of one non-polar amino acid with another, the substitution occurs at a position that is conserved in mammalian species. Mutations in neighboring codons (Asn185Lys, Arg186Gln, Ile195Met, Asp196Asn) have been reported in association with cardiomyopathy, supporting the functional importance of this region of the protein. Additionally, the NHLBI ESP Exome Variant Server reports Val188Leu was not observed in approximately 5,000 samples from individuals of European and African American backgrounds, indicating it is not a common benign variant in these populations. Nevertheless, multiple in silico analyses yield conflicting results regarding the effect of this variant on the protein structure/function.In summary, with the clinical and molecular information available at this time, we cannot unequivocally determine if the Val188Leu variant in the TNNI3 gene is a disease-causing mutation or a rare benign polymorphism.The variant is found in HCM panel(s).

NM_000363.5(TNNI3):c.562G>T (p.Val188Leu)

Gene: TNNI3 (troponin I3, cardiac type; minus strand). Cytogenetic location: 19q13.42.
Variant type: single nucleotide variant.
Coding change: c.562G>T on transcript NM_000363.5 (MANE Select); coding-DNA position 562, G replaced by T.
Protein change: p.Val188Leu; replaces valine 188 with leucine.
Molecular consequence: missense variant.
Genome position (GRCh38, 1-based): chr19:55,151,905, C>A on the plus strand (G>T on the coding strand, the complement: TNNI3 is on the minus strand). VCF-style: chr19-55151905-C-A. GRCh37 (hg19) VCF-style: chr19-55663273-C-A.
Other names: p.V188L:GTG>TTG; c.562G>T (LRG_432t1); short protein forms V188L.
Identifiers: ClinVar variation 181589 (VCV000181589.2), dbSNP rs193922409, ClinGen allele CA021928.